The following is an entry in ClinVar:

ClinVar aggregate classification (germline): Uncertain significance. Review status: criteria provided, multiple submitters, no conflicts (2 of 4 stars). 3 submissions from 3 submitters: Uncertain significance (3). Last evaluated 2026-01-05.

Conditions:
Hereditary cancer-predisposing syndrome. Also called: Hereditary neoplastic syndrome; Tumor predisposition; Hereditary Cancer Syndrome; Neoplastic Syndromes, Hereditary. Identifiers: Orphanet 140162, MedGen C0027672, MeSH D009386, MONDO:0015356.
Neuroblastoma, susceptibility to, 3. Also called: ALK-Related Neuroblastic Tumor Susceptibility. Identifiers: Orphanet 635, MedGen C2751681, MONDO:0013083, OMIM 613014.

Allele frequency attached by ClinVar (database versions not stated): gnomAD exomes below 0.00001; ExAC 0.00001; TOPMed 0.00001.
gnomAD v4.1: 1 of 1,614,224 alleles (0.000062%); highest among the groups gnomAD compares: African/African-American, 0.0013%; no homozygotes.

Submissions (3):

Labcorp Genetics (formerly Invitae), Labcorp
Classification: Uncertain significance for Neuroblastoma, susceptibility to, 3. Last evaluated: 2026-01-05. Review status: criteria provided, single submitter. Criteria: Invitae Variant Classification Sherloc (09022015). Collection method: clinical testing. Allele origin: germline.
Comment: This sequence change replaces leucine, which is neutral and non-polar, with tryptophan, which is neutral and slightly polar, at codon 1489 of the ALK protein (p.Leu1489Trp). This variant is present in population databases (rs747098710, gnomAD 0.007%). This variant has not been reported in the literature in individuals affected with ALK-related conditions. ClinVar contains an entry for this variant (Variation ID: 580132). An algorithm developed to predict the effect of missense changes on protein structure and function (PolyPhen-2) suggests that this variant is likely to be disruptive. In summary, the available evidence is currently insufficient to determine the role of this variant in disease. Therefore, it has been classified as a Variant of Uncertain Significance.

Ambry Genetics
Classification: Uncertain significance for Hereditary cancer-predisposing syndrome. Last evaluated: 2024-12-03. Review status: criteria provided, single submitter. Criteria: Ambry Variant Classification Scheme 2023. Collection method: clinical testing. Allele origin: germline.
Comment: The p.L1489W variant (also known as c.4466T>G), located in coding exon 29 of the ALK gene, results from a T to G substitution at nucleotide position 4466. The leucine at codon 1489 is replaced by tryptophan, an amino acid with similar properties. This amino acid position is conserved. In addition, this alteration is predicted to be tolerated by in silico analysis. Since supporting evidence is limited at this time, the clinical significance of this alteration remains unclear.

Fulgent Genetics
Classification: Uncertain significance for Neuroblastoma, susceptibility to, 3. Last evaluated: 2024-02-18. Review status: criteria provided, single submitter. Criteria: ACMG Guidelines, 2015. Collection method: clinical testing. Allele origin: germline.

NM_004304.5(ALK):c.4466T>G (p.Leu1489Trp)

Gene: ALK (ALK receptor tyrosine kinase; minus strand). Cytogenetic location: 2p23.2.
Variant type: single nucleotide variant.
Coding change: c.4466T>G on transcript NM_004304.5 (MANE Select); coding-DNA position 4466, T replaced by G.
Protein change: p.Leu1489Trp; replaces leucine 1489 with tryptophan.
Molecular consequence: missense variant.
Genome position (GRCh38, 1-based): chr2:29,193,621, A>C on the plus strand (T>G on the coding strand, the complement: ALK is on the minus strand). VCF-style: chr2-29193621-A-C. GRCh37 (hg19) VCF-style: chr2-29416487-A-C.
Other names: c.1262T>G, p.Leu421Trp (NM_001353765.2); short protein forms L1489W, L421W.
Identifiers: ClinVar variation 580132 (VCV000580132.15), dbSNP rs747098710, ClinGen allele CA1593565.